The following is an entry in ClinVar:

NM_002470.4(MYH3):c.1510A>G (p.Lys504Glu)

Gene: MYH3 (myosin heavy chain 3; minus strand). Cytogenetic location: 17p13.1.
Variant type: single nucleotide variant.
Coding change: c.1510A>G on transcript NM_002470.4 (MANE Select); coding-DNA position 1510, A replaced by G.
Protein change: p.Lys504Glu; replaces lysine 504 with glutamic acid.
Molecular consequence: missense variant.
Genome position (GRCh38, 1-based): chr17:10,642,897, T>C on the plus strand (A>G on the coding strand, the complement: MYH3 is on the minus strand). VCF-style: chr17-10642897-T-C. GRCh37 (hg19) VCF-style: chr17-10546214-T-C.
Other names: c.1510A>G (NM_002470.3); short protein forms K504E.
Identifiers: ClinVar variation 3642082 (VCV003642082.3).
Genomic context (GRCh38, chr17:10,642,897, plus strand): 5'-GCTCGATGCAGGCAGCCAGGTCCATCCCGAAGTCAATGAACGTCCACTCGATGCCTTCCT[T>C]CTTGTACTCCTCCTGCTCCAGCACGAACATGTGGTGGTTGAAAAACTGTTGCAGTTTCTC-3'
Protein context (NP_002461.2, residues 494-514): MFVLEQEEYK[Lys504Glu]EGIEWTFIDF

ClinVar aggregate classification (germline): Uncertain significance. Review status: criteria provided, multiple submitters, no conflicts (2 of 4 stars). 2 submissions from 2 submitters: Uncertain significance (2). Last evaluated 2025-05-01.

Conditions:
Inborn genetic diseases. Identifiers: MedGen C0950123, MeSH D030342.

gnomAD v4.1: 12 of 1,614,158 alleles (0.00074%); highest among the groups gnomAD compares: Non-Finnish European, 0.001%; no homozygotes.

Submissions (2):

Labcorp Genetics (formerly Invitae), Labcorp
Classification: Uncertain significance. Last evaluated: 2025-05-01. Review status: criteria provided, single submitter. Criteria: Invitae Variant Classification Sherloc (09022015). Collection method: clinical testing. Allele origin: germline.
Comment: This sequence change replaces lysine, which is basic and polar, with glutamic acid, which is acidic and polar, at codon 504 of the MYH3 protein (p.Lys504Glu). This variant is not present in population databases (gnomAD no frequency). This variant has not been reported in the literature in individuals affected with MYH3-related conditions. ClinVar contains an entry for this variant (Variation ID: 3642082). Invitae Evidence Modeling of protein sequence and biophysical properties (such as structural, functional, and spatial information, amino acid conservation, physicochemical variation, residue mobility, and thermodynamic stability) indicates that this missense variant is not expected to disrupt MYH3 protein function with a negative predictive value of 95%. In summary, the available evidence is currently insufficient to determine the role of this variant in disease. Therefore, it has been classified as a Variant of Uncertain Significance.

Ambry Genetics
Classification: Uncertain significance for Inborn genetic diseases. Last evaluated: 2025-02-13. Review status: criteria provided, single submitter. Criteria: Ambry Variant Classification Scheme 2023. Collection method: clinical testing. Allele origin: germline.